The following is an entry in ClinVar:

ClinVar aggregate classification (germline): Benign/Likely benign. Review status: criteria provided, multiple submitters, no conflicts (2 of 4 stars). 4 submissions from 4 submitters: Benign (1); Likely benign (3). Last evaluated 2025-08-01.

Conditions:
Hereditary nonpolyposis colorectal neoplasms. Identifiers: MedGen C0009405, MeSH D003123.
Hereditary cancer-predisposing syndrome. Also called: Neoplastic Syndromes, Hereditary; Hereditary Cancer Syndrome; Tumor predisposition; Hereditary neoplastic syndrome. Identifiers: Orphanet 140162, MedGen C0027672, MeSH D009386, MONDO:0015356.
Lynch syndrome 5 (LYNCH5). Also called: Colorectal cancer, hereditary nonpolyposis, type 5; Hereditary non-polyposis colorectal cancer, type 5. Identifiers: Orphanet 144, MedGen C1833477, MONDO:0013710, OMIM 614350. Disease mechanism: loss of function.

Submissions (4):

CeGaT Center for Human Genetics Tuebingen
Classification: Likely benign. Last evaluated: 2025-08-01. Review status: criteria provided, single submitter. Criteria: CeGaT Center For Human Genetics Tuebingen Variant Classification Criteria Version 2. Collection method: clinical testing. Allele origin: germline. Affected: yes. Observed: 1 variant allele.
Comment: MSH6: PM2:Supporting, BP4, BP7

Labcorp Genetics (formerly Invitae), Labcorp
Classification: Likely benign for Hereditary nonpolyposis colorectal neoplasms. Last evaluated: 2025-07-27. Review status: criteria provided, single submitter. Criteria: Invitae Variant Classification Sherloc (09022015). Collection method: clinical testing. Allele origin: germline.

Myriad Genetics, Inc.
Classification: Benign for Lynch syndrome 5. Last evaluated: 2024-12-26. Review status: criteria provided, single submitter. Criteria: Myriad Autosomal Dominant, Autosomal Recessive and X-Linked Classification Criteria (2023). Collection method: clinical testing. Allele origin: unknown.
Comment: This variant is considered benign. This variant is a silent/synonymous amino acid change and it is not expected to impact splicing.

Ambry Genetics
Classification: Likely benign for Hereditary cancer-predisposing syndrome. Last evaluated: 2015-08-22. Review status: criteria provided, single submitter. Criteria: Ambry Variant Classification Scheme 2023. Collection method: clinical testing. Allele origin: germline.

NM_000179.3(MSH6):c.1303C>T (p.Leu435=)

Gene: MSH6 (mutS homolog 6; plus strand). Cytogenetic location: 2p16.3.
Variant type: single nucleotide variant.
Coding change: c.1303C>T on transcript NM_000179.3 (MANE Select); coding-DNA position 1303, C replaced by T.
Protein change: p.Leu435=; no amino-acid change (leucine 435 retained).
Molecular consequence: synonymous variant.
Genome position (GRCh38, 1-based): chr2:47,799,286, C>T. VCF-style: chr2-47799286-C-T. GRCh37 (hg19) VCF-style: chr2-48026425-C-T.
Other names: c.913C>T, p.Leu305= (NM_001281492.2); c.397C>T, p.Leu133= (NM_001281493.2, NM_001281494.2).
Identifiers: ClinVar variation 233490 (VCV000233490.25), dbSNP rs876660441, ClinGen allele CA10578066.